The following is an entry in ClinVar:

NM_002500.5(NEUROD1):c.656A>G (p.Tyr219Cys)

Gene: NEUROD1 (neuronal differentiation 1; minus strand). Cytogenetic location: 2q31.3.
Variant type: single nucleotide variant.
Coding change: c.656A>G on transcript NM_002500.5 (MANE Select); coding-DNA position 656, A replaced by G.
Protein change: p.Tyr219Cys; replaces tyrosine 219 with cysteine.
Molecular consequence: missense variant.
Genome position (GRCh38, 1-based): chr2:181,678,205, T>C on the plus strand (A>G on the coding strand, the complement: NEUROD1 is on the minus strand). VCF-style: chr2-181678205-T-C. GRCh37 (hg19) VCF-style: chr2-182542932-T-C.
Other names: short protein forms Y219C.
Identifiers: ClinVar variation 3027522 (VCV003027522.3), dbSNP rs943918674, ClinGen allele CA62111423.
Genomic context (GRCh38, chr2:181,678,205, plus strand): 5'-ACATGGGAGCTGTCCATGGTACCGTAAGGCGGACTGGGCAGCCCAGGCGACTGGTAGGAG[T>C]AGGGGTGTACAGGGAAGGAAGCGCTGGCCGTCGGCAGGTGGGGGGGCATGTCCTGGTTCT-3'
Protein context (NP_002491.3, residues 209-229): TASASFPVHP[Tyr219Cys]SYQSPGLPSP

ClinVar aggregate classification (germline): Uncertain significance. Review status: criteria provided, multiple submitters, no conflicts (2 of 4 stars). 2 submissions from 2 submitters: Uncertain significance (2). Last evaluated 2025-04-01.

Conditions:
Retinal dystrophy. Also called: Inherited retinal dystrophy. Identifiers: Orphanet 71862, MedGen C0854723, MeSH D058499, MONDO:0019118, HP:0000556.

Allele frequency attached by ClinVar (database versions not stated): gnomAD 0.00001.
gnomAD v4.1: 14 of 1,612,946 alleles (0.00087%); highest among the groups gnomAD compares: East Asian, 0.029%; no homozygotes.

Submissions (2):

Labcorp Genetics (formerly Invitae), Labcorp
Classification: Uncertain significance. Last evaluated: 2025-04-01. Review status: criteria provided, single submitter. Criteria: Invitae Variant Classification Sherloc (09022015). Collection method: clinical testing. Allele origin: germline.
Comment: This sequence change replaces tyrosine, which is neutral and polar, with cysteine, which is neutral and slightly polar, at codon 219 of the NEUROD1 protein (p.Tyr219Cys). This variant is not present in population databases (gnomAD no frequency). This variant has not been reported in the literature in individuals affected with NEUROD1-related conditions. ClinVar contains an entry for this variant (Variation ID: 3027522). Invitae Evidence Modeling of protein sequence and biophysical properties (such as structural, functional, and spatial information, amino acid conservation, physicochemical variation, residue mobility, and thermodynamic stability) indicates that this missense variant is not expected to disrupt NEUROD1 protein function with a negative predictive value of 80%. In summary, the available evidence is currently insufficient to determine the role of this variant in disease. Therefore, it has been classified as a Variant of Uncertain Significance.

Dept Of Ophthalmology, Nagoya University
Classification: Uncertain significance for Retinal dystrophy. Last evaluated: 2023-10-01. Review status: criteria provided, single submitter. Criteria: Submitter's publication. Collection method: research. Allele origin: germline. Affected: yes.